The following is an entry in ClinVar:

NM_000159.4(GCDH):c.647C>T (p.Ser216Leu)

Gene: GCDH (glutaryl-CoA dehydrogenase; plus strand). Cytogenetic location: 19p13.13.
Variant type: single nucleotide variant.
Coding change: c.647C>T on transcript NM_000159.4 (MANE Select); coding-DNA position 647, C replaced by T.
Protein change: p.Ser216Leu; replaces serine 216 with leucine.
Molecular consequence: missense variant. On other transcripts: non-coding transcript variant (1).
Genome position (GRCh38, 1-based): chr19:12,896,216, C>T. VCF-style: chr19-12896216-C-T. GRCh37 (hg19) VCF-style: chr19-13007030-C-T.
Other names: c.647C>T, p.Ser216Leu (NM_013976.5); c.647C>T (NM_000159.3); short protein forms S216L.
Identifiers: ClinVar variation 1200052 (VCV001200052.19), dbSNP rs1449724176, ClinGen allele CA404318479.

ClinVar aggregate classification (germline): Conflicting classifications of pathogenicity. Review status: criteria provided, conflicting classifications (1 of 4 stars). 6 submissions from 6 submitters: Pathogenic (1); Likely pathogenic (4); Uncertain significance (1). Last evaluated 2025-11-05.

Conditions:
Glutaric aciduria, type 1. Also called: GA I; Glutaryl-CoA dehydrogenase deficiency; Glutaric acidemia type I; Glutaric Acidemia Type 1; Glutaricacidemia Type 1; Glutaricaciduria, type I. Identifiers: Orphanet 25, MedGen C0268595, MONDO:0009281, OMIM 231670.

Allele frequency attached by ClinVar (database versions not stated): gnomAD exomes 0.00001; TOPMed 0.00002.
gnomAD v4.1: 7 of 1,614,110 alleles (0.00043%); highest among the groups gnomAD compares: Non-Finnish European, 0.00051%; no homozygotes.

Submissions (6):

Natera, Inc.
Classification: Likely pathogenic for Glutaric acidemia type 1. Last evaluated: 2025-11-05. Review status: criteria provided, single submitter. Criteria: Natera Variant Classification Schema (03/2026). Collection method: clinical testing. Allele origin: germline.
Comment: The c.647C>T variant in GCDH is a missense variant predicted to cause substitution of serine to leucine at amino acid 216. This variant is rare in the general population with a frequency below the threshold expected for the associated phenotype(s). This variant has been observed in one or more individuals affected with the associated recessive disease, as either homozygous or compound heterozygous with a second variant (PMID: 32508882, 36913764, 32240488). Computational prediction algorithms indicate this variant is likely to affect gene or protein function. Given the available evidence, this variant is classified as Likely Pathogenic.

Women's Health and Genetics/Laboratory Corporation of America, LabCorp
Classification: Likely pathogenic for Glutaric aciduria, type 1. Last evaluated: 2025-09-25. Review status: criteria provided, single submitter. Criteria: LabCorp Variant Classification Summary - May 2015. Collection method: clinical testing. Allele origin: germline.
Comment: Variant summary: GCDH c.647C>T (p.Ser216Leu) results in a non-conservative amino acid change located in the Acyl-CoA oxidase/dehydrogenase, middle domain (IPR006091) of the encoded protein sequence. Algorithms developed to predict the effect of missense changes on protein structure and function all suggest that this variant is likely to be disruptive. The variant allele was found at a frequency of 8e-06 in 251338 control chromosomes (gnomAD). c.647C>T has been reported in the literature as a compound heterozygous genotype in at-least one individual affected with Glutaric Acidemia Type 1 (example Kurkina_2020, internal data). These data indicate that the variant may be associated with disease. To our knowledge, no experimental evidence demonstrating an impact on protein function has been reported. The following publications have been ascertained in the context of this evaluation (PMID: 34306040, 32240488, 37020324, 32508882). ClinVar contains an entry for this variant (Variation ID: 1200052). Based on the evidence outlined above, the variant was classified as likely pathogenic.

GeneDx
Classification: Likely pathogenic. Last evaluated: 2025-06-26. Review status: criteria provided, single submitter. Criteria: GeneDx Variant Classification Process June 2021. Collection method: clinical testing. Allele origin: germline. Affected: yes.
Comment: Not observed at significant frequency in large population cohorts (gnomAD); In silico analysis supports that this missense variant has a deleterious effect on protein structure/function; This variant is associated with the following publications: (PMID: 33072985, 32508882, 37020324, 32240488)

Labcorp Genetics (formerly Invitae), Labcorp
Classification: Pathogenic for Glutaric aciduria, type 1. Last evaluated: 2025-06-09. Review status: criteria provided, single submitter. Criteria: Invitae Variant Classification Sherloc (09022015). Collection method: clinical testing. Allele origin: germline.
Comment: This sequence change replaces serine, which is neutral and polar, with leucine, which is neutral and non-polar, at codon 216 of the GCDH protein (p.Ser216Leu). This variant is present in population databases (no rsID available, gnomAD 0.0009%). This missense change has been observed in individual(s) with glutaric acidemia type I (PMID: 32240488; internal data). ClinVar contains an entry for this variant (Variation ID: 1200052). Invitae Evidence Modeling of protein sequence and biophysical properties (such as structural, functional, and spatial information, amino acid conservation, physicochemical variation, residue mobility, and thermodynamic stability) indicates that this missense variant is expected to disrupt GCDH protein function with a positive predictive value of 80%. For these reasons, this variant has been classified as Pathogenic.

Revvity Omics, Revvity
Classification: Uncertain significance for Glutaric aciduria, type 1. Last evaluated: 2024-02-14. Review status: criteria provided, single submitter. Criteria: ACMG Guidelines, 2015. Collection method: clinical testing. Allele origin: germline.

Lifecell International Pvt. Ltd
Classification: Likely pathogenic for Glutaric aciduria, type 1. Review status: criteria provided, single submitter. Criteria: ACMG Guidelines, 2015. Collection method: clinical testing. Allele origin: germline. Inheritance: Autosomal recessive inheritance. Affected: yes. Observed: 1 compound heterozygote.
Comment: A Heterozygous Missense variant c.647C>T in Exon 8 of the GCDH gene that results in the amino acid substitution p.Ser216Leu was identified. The observed variant has a minor allele frequency of 0.00001/% in gnomAD exomes and genomes, respectively. The severity of the impact of this variant on the protein is high, based on the effect of the protein and REVEL score . Rare Exome Variant Ensemble Learner (REVEL) is an ensembl method for predicting the pathogenicity of missense variants based on a combination of scores from 13 individual tools: MutPred, FATHMM v2.3, VEST 3.0, PolyPhen-2, SIFT, PROVEAN, MutationAssessor, MutationTaster, LRT, GERP++, SiPhy, phyloP, and phastCons. The REVEL score for an individual missense variant can range from 0 to 1, with higher scores reflecting greater likelihood that the variant is disease-causing. ClinVar has also classified this variant as Pathogenic,UncertainSignificance,ConflictingInterpretations(variant ID 1200052). This variant has been observed in many individuals affected with Glutaricaciduria, type I reported by (E H, Liang L, Zhang H et al., 2021). Based on the above evidence this variant has been classified as Likely Pathogenic according to the ACMG guidelines.

Literature cited by the submitters: PubMed 32508882 (cited by Natera, Inc. and Women's Health and Genetics/Laboratory Corporation of America, LabCorp); PubMed 36913764 (cited by Natera, Inc.); PubMed 32240488 (cited by 3 submitters); PubMed 34306040 (cited by Women's Health and Genetics/Laboratory Corporation of America, LabCorp and Lifecell International Pvt. Ltd); PubMed 37020324 (cited by Women's Health and Genetics/Laboratory Corporation of America, LabCorp).